The following is an entry in ClinVar:

ClinVar aggregate classification (germline): Uncertain significance. Review status: criteria provided, multiple submitters, no conflicts (2 of 4 stars). 2 submissions from 2 submitters: Uncertain significance (2). Last evaluated 2025-12-02.

Conditions:
Inborn genetic diseases. Identifiers: MedGen C0950123, MeSH D030342.
Facioscapulohumeral muscular dystrophy 2 (FSHD2). Also called: MUSCULAR DYSTROPHY, FACIOSCAPULOHUMERAL, TYPE 1B; FACIOSCAPULOHUMERAL MUSCULAR DYSTROPHY 2, DIGENIC; FSHD2, DIGENIC. Identifiers: Orphanet 269, MedGen C1834671, MONDO:0008031, OMIM 158901.

Allele frequency attached by ClinVar (database versions not stated): ExAC 0.00001; gnomAD 0.00001; gnomAD exomes 0.00001; TOPMed 0.00001.
gnomAD v4.1: 12 of 1,509,756 alleles (0.00079%); highest among the groups gnomAD compares: Non-Finnish European, 0.0011%; no homozygotes.

Submissions (2):

Ambry Genetics
Classification: Uncertain significance for Inborn genetic diseases. Last evaluated: 2025-12-02. Review status: criteria provided, single submitter. Criteria: Ambry Variant Classification Scheme 2023. Collection method: clinical testing. Allele origin: germline.

Labcorp Genetics (formerly Invitae), Labcorp
Classification: Uncertain significance for Facioscapulohumeral muscular dystrophy 2. Last evaluated: 2025-02-10. Review status: criteria provided, single submitter. Criteria: Invitae Variant Classification Sherloc (09022015). Collection method: clinical testing. Allele origin: germline.
Comment: This sequence change replaces arginine, which is basic and polar, with tryptophan, which is neutral and slightly polar, at codon 26 of the SMCHD1 protein (p.Arg26Trp). The frequency data for this variant in the population databases is considered unreliable, as metrics indicate poor data quality at this position in the gnomAD database. This variant has not been reported in the literature in individuals affected with SMCHD1-related conditions. ClinVar contains an entry for this variant (Variation ID: 1405884). An algorithm developed to predict the effect of missense changes on protein structure and function (PolyPhen-2) suggests that this variant is likely to be disruptive. In summary, the available evidence is currently insufficient to determine the role of this variant in disease. Therefore, it has been classified as a Variant of Uncertain Significance.

NM_015295.3(SMCHD1):c.76A>T (p.Arg26Trp)

Gene: SMCHD1 (structural maintenance of chromosomes flexible hinge domain containing 1; plus strand). Cytogenetic location: 18p11.32.
Variant type: single nucleotide variant.
Coding change: c.76A>T on transcript NM_015295.3 (MANE Select); coding-DNA position 76, A replaced by T.
Protein change: p.Arg26Trp; replaces arginine 26 with tryptophan.
Molecular consequence: missense variant.
Genome position (GRCh38, 1-based): chr18:2,656,151, A>T. VCF-style: chr18-2656151-A-T. GRCh37 (hg19) VCF-style: chr18-2656150-A-T.
Other names: c.76A>T (NM_015295.2); short protein forms R26W.
Identifiers: ClinVar variation 1405884 (VCV001405884.7), dbSNP rs747375741, ClinGen allele CA8870454.
Genomic context (GRCh38, chr18:2,656,151, plus strand): 5'-GGCGGCGGGCCTGGTGGGGCCTCTGTGGGGACTGAGGAGGATGGCGGAGGCGTCGGCCAC[A>T]GGACGGTGTACTTGTTTGATCGGCGCGAAAAGGAGTCCGAGCTCGGGGACCGGCCTCTGC-3'
Protein context (NP_056110.2, residues 16-36): TEEDGGGVGH[Arg26Trp]TVYLFDRREK